The following is an entry in ClinVar:

NM_007185.7(CELF3):c.1098_1118del (p.Gln367_Gln373del)

Gene: CELF3 (CUGBP Elav-like family member 3; minus strand). Cytogenetic location: 1q21.3.
Variant type: Deletion.
Coding change: c.1098_1118del on transcript NM_007185.7 (MANE Select); coding-DNA positions 1098 to 1118, 21 bases deleted (GCAGCAACAGCAGCAGCAGCA).
Protein change: p.Gln367_Gln373del.
Molecular consequence: inframe deletion.
Genome position (GRCh38, 1-based): chr1:151,706,232-151,706,252, TGCTGCTGCTGCTGTTGCTGC deleted on the plus strand (GCAGCAACAGCAGCAGCAGCA on the coding strand, the reverse complement: CELF3 is on the minus strand); deleting any 21 consecutive bases within chr1:151,706,232-151,706,266 gives the same sequence; the c. name uses the placement nearest the transcript's 3' end. VCF-style (leftmost placement, unchanged base first): chr1-151706231-TTGCTGCTGCTGCTGTTGCTGC-T. GRCh37 (hg19) VCF-style: chr1-151678707-TTGCTGCTGCTGCTGTTGCTGC-T.
Other names: NM_007185.7:c.1098_1118del; c.957_977del, p.Gln320_Gln326del (NM_001172648.4); c.948_968del, p.Gln317_Gln323del (NM_001172649.4); c.1095_1115del, p.Gln366_Gln372del (NM_001291106.2, NM_001291107.2).
Identifiers: ClinVar variation 3383285 (VCV003383285.1).

ClinVar aggregate classification (germline): Uncertain significance (1 of 4 stars; one submission).

Conditions:
Neuromuscular disease. Also called: Neuromuscular disorder; Neuromyopathy. Identifiers: Orphanet 68381, MedGen C0027868, MeSH D009468, MONDO:0019056.

Submission:

Broad Center for Mendelian Genomics, Broad Institute of MIT and Harvard
Classification: Uncertain significance for Neuromuscular disease. Last evaluated: 2024-11-22. Review status: criteria provided, single submitter. Criteria: ACMG Guidelines, 2015. Collection method: curation. Allele origin: germline. Inheritance: Autosomal recessive inheritance. Study: GREGoR Consortium.
Comment: While this gene is still lacking sufficient evidence to establish a gene-disease relationship, we believe this is a possible novel gene candidate for neuromuscular disease. Given the limited information about this gene-disease relationship, the significance of the p.Gln367_Gln373del variant is uncertain. If you have any additional information about functional evidence or other individuals with this phenotype that also have variants in CELF3 we encourage you to reach out to us.